The following is an entry in ClinVar:

NM_001254.4(CDC6):c.130_139dup (p.Arg47fs)

Gene: CDC6 (cell division cycle 6; plus strand). Cytogenetic location: 17q21.2.
Variant type: Duplication.
Coding change: c.130_139dup on transcript NM_001254.4 (MANE Select); coding-DNA positions 130 to 139, 10 bases duplicated (TGTTCTCCTC; older notation c.130_139dupTGTTCTCCTC).
Protein change: p.Arg47fs; shifts the reading frame from arginine 47.
Molecular consequence: frameshift variant.
Genome position (GRCh38, 1-based): chr17:40,289,550-40,289,559, TGTTCTCCTC duplicated; duplicating any 10 consecutive bases within chr17:40,289,549-40,289,559 gives the same sequence; the c. name uses the placement nearest the transcript's 3' end. VCF-style (leftmost placement, unchanged base first): chr17-40289548-C-CCTGTTCTCCT. GRCh37 (hg19) VCF-style: chr17-38445800-C-CCTGTTCTCCT.
Other names: short protein forms R47fs.
Identifiers: ClinVar variation 2040489 (VCV002040489.4), dbSNP rs2544131084, ClinGen allele CA2580093667.
Genomic context (GRCh38, chr17:40,289,548, plus strand): 5'-TGAACAAAGCTAAAAACTCCAGTGATGCCAAACTAGAACCAACAAATGTCCAAACCGTAA[C>CCTGTTCTCCT]CTGTTCTCCTCGTGTAAAAGCCCTGCCTCTCAGCCCCAGGAAACGTCTGGGTAAACCATC-3'

ClinVar aggregate classification (germline): Uncertain significance (1 of 4 stars; one submission).

Submission:

Labcorp Genetics (formerly Invitae), Labcorp
Classification: Uncertain significance. Last evaluated: 2022-07-26. Review status: criteria provided, single submitter. Criteria: Invitae Variant Classification Sherloc (09022015). Collection method: clinical testing. Allele origin: germline.
Comment: This variant has not been reported in the literature in individuals affected with CDC6-related conditions. This variant is not present in population databases (gnomAD no frequency). This sequence change creates a premature translational stop signal (p.Arg47Leufs*19) in the CDC6 gene. It is expected to result in an absent or disrupted protein product. However, the current clinical and genetic evidence is not sufficient to establish whether loss-of-function variants in CDC6 cause disease. Algorithms developed to predict the effect of sequence changes on RNA splicing suggest that this variant may disrupt the consensus splice site. In summary, the available evidence is currently insufficient to determine the role of this variant in disease. Therefore, it has been classified as a Variant of Uncertain Significance.